The following is an entry in ClinVar:

NM_020937.4(FANCM):c.5491T>A (p.Leu1831Ile)

Gene: FANCM (FA complementation group M; plus strand). Cytogenetic location: 14q21.2.
Variant type: single nucleotide variant.
Coding change: c.5491T>A on transcript NM_020937.4 (MANE Select); coding-DNA position 5491, T replaced by A.
Protein change: p.Leu1831Ile; replaces leucine 1831 with isoleucine.
Molecular consequence: missense variant.
Genome position (GRCh38, 1-based): chr14:45,196,322, T>A. VCF-style: chr14-45196322-T-A. GRCh37 (hg19) VCF-style: chr14-45665525-T-A.
Other names: c.5413T>A, p.Leu1805Ile (NM_001308133.2); short protein forms L1831I, L1805I.
Identifiers: ClinVar variation 3512939 (VCV003512939.1).
Genomic context (GRCh38, chr14:45,196,322, plus strand): 5'-CTTCCGCAGGAAGGAAAAGGAACCTGTATTCTTGTAGGTGGTCATGAAATCACTTCTGGA[T>A]TAGAAGTAATTTCTTCCCTAAGAGCAATTCATGGGTTGCAAGTAGAAGTTTGTCCTCTTA-3'
Protein context (NP_065988.1, residues 1821-1841): LVGGHEITSG[Leu1831Ile]EVISSLRAIH

ClinVar aggregate classification (germline): Uncertain significance (1 of 4 stars; one submission).

Conditions:
Inborn genetic diseases. Identifiers: MedGen C0950123, MeSH D030342.

Submission:

Ambry Genetics
Classification: Uncertain significance for Inborn genetic diseases. Last evaluated: 2024-11-28. Review status: criteria provided, single submitter. Criteria: Ambry Variant Classification Scheme 2023. Collection method: clinical testing. Allele origin: germline.
Comment: The p.L1831I variant (also known as c.5491T>A), located in coding exon 21 of the FANCM gene, results from a T to A substitution at nucleotide position 5491. The leucine at codon 1831 is replaced by isoleucine, an amino acid with highly similar properties. This amino acid position is conserved. In addition, this alteration is predicted to be tolerated by in silico analysis. Based on the available evidence, the clinical significance of this variant remains unclear.